The following is an entry in ClinVar:

ClinVar aggregate classification (germline): Uncertain significance (1 of 4 stars; one submission).

Conditions:
2-aminoadipic 2-oxoadipic aciduria (AAKAD). Also called: ALPHA-AMINOADIPIC AND ALPHA-KETOADIPIC ACIDURIA; Aminoadipic aciduria. Identifiers: Orphanet 79154, MedGen C1859817, MONDO:0008774, OMIM 204750.

gnomAD v4.1: 7 of 1,614,156 alleles (0.00043%); highest among the groups gnomAD compares: Non-Finnish European, 0.00059%; no homozygotes.

Submission:

Labcorp Genetics (formerly Invitae), Labcorp
Classification: Uncertain significance for 2-aminoadipic 2-oxoadipic aciduria. Last evaluated: 2021-08-24. Review status: criteria provided, single submitter. Criteria: Invitae Variant Classification Sherloc (09022015). Collection method: clinical testing. Allele origin: germline.
Comment: This variant is not present in population databases (ExAC no frequency). This variant has not been reported in the literature in individuals affected with DHTKD1-related conditions. Algorithms developed to predict the effect of missense changes on protein structure and function are either unavailable or do not agree on the potential impact of this missense change (SIFT: "Deleterious"; PolyPhen-2: "Probably Damaging"; Align-GVGD: "Class C0"). In summary, the available evidence is currently insufficient to determine the role of this variant in disease. Therefore, it has been classified as a Variant of Uncertain Significance. This sequence change replaces serine with asparagine at codon 651 of the DHTKD1 protein (p.Ser651Asn). The serine residue is highly conserved and there is a small physicochemical difference between serine and asparagine.

NM_018706.7(DHTKD1):c.1952G>A (p.Ser651Asn)

Gene: DHTKD1 (dehydrogenase E1 and transketolase domain containing 1; plus strand). Cytogenetic location: 10p14.
Variant type: single nucleotide variant.
Coding change: c.1952G>A on transcript NM_018706.7 (MANE Select); coding-DNA position 1952, G replaced by A.
Protein change: p.Ser651Asn; replaces serine 651 with asparagine.
Molecular consequence: missense variant.
Genome position (GRCh38, 1-based): chr10:12,106,301, G>A. VCF-style: chr10-12106301-G-A. GRCh37 (hg19) VCF-style: chr10-12148300-G-A.
Other names: short protein forms S651N.
Identifiers: ClinVar variation 1377377 (VCV001377377.6), dbSNP rs1833246281, ClinGen allele CA376011233.
Genomic context (GRCh38, chr10:12,106,301, plus strand): 5'-ATTAGGTCAGCAACAGCCCACTGTCAGAAGAGGCCGTCCTGGGATTTGAATATGGGATGA[G>A]CATTGAGAGCCCAAAGTTACTGCCCCTGTGGGAGGCACAGTTTGGCGATTTCTTCAATGG-3'
Protein context (NP_061176.4, residues 641-661): EAVLGFEYGM[Ser651Asn]IESPKLLPLW